The following is an entry in ClinVar:

NM_198252.3(GSN):c.503A>C (p.Asp168Ala)

Gene: GSN (gelsolin; plus strand). Cytogenetic location: 9q33.2.
Variant type: single nucleotide variant.
Coding change: c.503A>C on transcript NM_198252.3 (MANE Select); coding-DNA position 503, A replaced by C.
Protein change: p.Asp168Ala; replaces aspartic acid 168 with alanine.
Molecular consequence: missense variant. On other transcripts: 5 prime UTR variant (1).
Genome position (GRCh38, 1-based): chr9:121,310,835, A>C. VCF-style: chr9-121310835-A-C. GRCh37 (hg19) VCF-style: chr9-124073113-A-C.
Other names: NM_198252.3:c.503A>C; c.503A>C, p.Asp168Ala (NM_001353056.2, NM_001353057.2, NM_001353058.2 and 10 more transcripts); c.536A>C, p.Asp179Ala (NM_001353063.2, NM_001353064.2, NM_001353065.2 and 13 more transcripts); c.656A>C, p.Asp219Ala (NM_000177.5); c.611A>C, p.Asp204Ala (NM_001127663.2); c.554A>C, p.Asp185Ala (NM_001258029.2); c.527A>C, p.Asp176Ala (NM_001258030.2); c.575A>C, p.Asp192Ala (NM_001353076.2); and 1 more; short protein forms D179A, D185A, D204A, D168A, D176A, D192A, D219A.
Identifiers: ClinVar variation 4974511 (VCV004974511.1).
Genomic context (GRCh38, chr9:121,310,835, plus strand): 5'-GTGCCACCGAGGTACCTGTGTCCTGGGAGAGCTTCAACAATGGCGACTGCTTCATCCTGG[A>C]CCTGGGCAACGTGAGTCCTGCTTTCCTCTTTCCCAGGAGCCACTGAGGTGCTCCTGGTCT-3'
Protein context (NP_937895.1, residues 158-178): SFNNGDCFIL[Asp168Ala]LGNNIHQWCG

ClinVar aggregate classification (germline): Uncertain significance (1 of 4 stars; one submission).

Conditions:
Finnish type amyloidosis. Also called: AMYLOID CRANIAL NEUROPATHY WITH LATTICE CORNEAL DYSTROPHY; AMYLOIDOSIS DUE TO MUTANT GELSOLIN; Lattice corneal dystrophy associated with familial systemic amyloidosis; Meretoja's syndrome; Lattice dystrophy of the cornea with hereditary generalized amyloidosis; Amyloidosis, familial, Finnish type. Identifiers: Orphanet 85448, MedGen C1622345, MONDO:0007097, OMIM 105120.

Submission:

Broad Center for Mendelian Genomics, Broad Institute of MIT and Harvard
Classification: Uncertain significance for Finnish type amyloidosis. Last evaluated: 2026-08-26. Review status: criteria provided, single submitter. Criteria: ACMG Guidelines, 2015. Collection method: research. Allele origin: germline. Inheritance: Autosomal dominant inheritance. Study: GREGoR Consortium.
Comment: The heterozygous p.Asp168Ala variant in GSN was identified by our study in 3 family members with Finnish type amyloidosis. The p.Asp168Ala variant has not been previously reported in the literature in individuals with Finnish type amyloidosis, and was absent from large population studies. Computational prediction tools and conservation analyses suggest that this variant may impact the protein, though this information is not predictive enough to determine pathogenicity. In summary, the clinical significance of the p.Asp168Ala variant is uncertain. ACMG/AMP Criteria applied: PP3, PM2_supporting (Richards 2015).